The following is an entry in ClinVar:

NM_020971.3(SPTBN4):c.348G>A (p.Arg116=)

Gene: SPTBN4 (spectrin beta, non-erythrocytic 4; plus strand). Cytogenetic location: 19q13.2.
Variant type: single nucleotide variant.
Coding change: c.348G>A on transcript NM_020971.3 (MANE Select); coding-DNA position 348, G replaced by A.
Protein change: p.Arg116=; no amino-acid change (arginine 116 retained).
Molecular consequence: synonymous variant.
Genome position (GRCh38, 1-based): chr19:40,490,101, G>A. VCF-style: chr19-40490101-G-A. GRCh37 (hg19) VCF-style: chr19-40996008-G-A.
Identifiers: ClinVar variation 730357 (VCV000730357.5), dbSNP rs140501982, ClinGen allele CA9445321.

ClinVar aggregate classification (germline): Benign. Review status: criteria provided, single submitter (1 of 4 stars). 2 submissions from 2 submitters: Benign (1). 1 of the submissions does not count toward it. Last evaluated 2018-06-10.

Conditions:
SPTBN4-related disorder. Also called: SPTBN4-related condition.

Allele frequency attached by ClinVar (database versions not stated): ESP Exome Variant Server 0.00046; gnomAD 0.00054 and 0.00061; TOPMed 0.00063.
gnomAD v4.1: 177 of 1,613,290 alleles (0.011%); highest among the groups gnomAD compares: African/African-American, 0.2%; no homozygotes.

Submissions (2):

Labcorp Genetics (formerly Invitae), Labcorp
Classification: Benign. Last evaluated: 2018-06-10. Review status: criteria provided, single submitter. Criteria: Invitae Variant Classification Sherloc (09022015). Collection method: clinical testing. Allele origin: germline.

PreventionGenetics, part of Exact Sciences
Classification: Likely benign for SPTBN4-related condition. Last evaluated: 2019-06-07. Review status: no assertion criteria provided. Collection method: clinical testing. Allele origin: germline. Not counted in ClinVar's aggregate classification.
Comment: This variant is classified as likely benign based on ACMG/AMP sequence variant interpretation guidelines (Richards et al. 2015 PMID: 25741868, with internal and published modifications).